The following is an entry in ClinVar:

NM_173628.4(DNAH17):c.7752+2T>A

Gene: DNAH17 (dynein axonemal heavy chain 17; minus strand). Cytogenetic location: 17q25.3.
Variant type: single nucleotide variant.
Coding change: c.7752+2T>A on transcript NM_173628.4 (MANE Select); the canonical splice donor site of the intron after coding-DNA position 7752, T replaced by A.
Molecular consequence: splice donor variant.
Genome position (GRCh38, 1-based): chr17:78,480,682, A>T on the plus strand (T>A on the coding strand, the complement: DNAH17 is on the minus strand). VCF-style: chr17-78480682-A-T. GRCh37 (hg19) VCF-style: chr17-76476764-A-T.
Identifiers: ClinVar variation 2582766 (VCV002582766.3), dbSNP rs201018927, ClinGen allele CA8802175.
Genomic context (GRCh38, chr17:78,480,682, plus strand): 5'-TTTGCCAGAAGCAAGCCTCAGACTCATGGCAGGTGACGGGGATGAGTATGGTTTCTGCTT[A>T]CCTGAAGCCTGGAGTCGATGGTGAAGGATCCGGAAGTGGGGTTCATGCAGGCCACGTACT-3'

ClinVar aggregate classification (germline): Pathogenic/Likely pathogenic. Review status: criteria provided, multiple submitters, no conflicts (2 of 4 stars). 3 submissions from 3 submitters: Pathogenic (1); Likely pathogenic (1). 1 of the submissions does not count toward it. Last evaluated 2026-07-13.

Conditions:
Male infertility. Identifiers: MedGen C0021364, MeSH D007248, MONDO:0005372, HP:0003251.
Spermatogenic failure 39. Identifiers: MedGen C5231438, MONDO:0032845, OMIM 618643.

Allele frequency attached by ClinVar (database versions not stated): ExAC 0.00017; gnomAD 0.00026; TOPMed 0.00029; ESP Exome Variant Server 0.00033; gnomAD exomes 0.00037.
gnomAD v4.1: 579 of 1,612,584 alleles (0.036%); highest among the groups gnomAD compares: Non-Finnish European, 0.046%; no homozygotes.

Submissions (3):

Institute of Reproductive Genetics, University of Münster
Classification: Pathogenic for Male infertility. Last evaluated: 2026-07-13. Review status: criteria provided, single submitter. Criteria: Uk Practice Guidelines For Variant Classification V4 01 2020. Collection method: clinical testing. Allele origin: germline. Inheritance: Autosomal recessive inheritance. Affected: yes.
Comment: PVS1, PM2_supporting (MAF GnomAD v4 <0.01), PM3 (observed in trans with another pathogenic variant)

Department of Pathology and Laboratory Medicine, Sinai Health System
Classification: Likely pathogenic for Spermatogenic failure 39. Last evaluated: 2023-08-29. Review status: criteria provided, single submitter. Criteria: ACMG Guidelines, 2015. Collection method: research. Allele origin: germline.

Zotz-Klimas Genetics Lab, MVZ Zotz Klimas
Classification: Likely pathogenic for Spermatogenic failure 39. Last evaluated: 2023-10-09. Review status: no assertion criteria provided. Collection method: clinical testing. Allele origin: germline. Affected: yes. Not counted in ClinVar's aggregate classification.